The following is an entry in ClinVar:

ClinVar aggregate classification (germline): Pathogenic (1 of 4 stars; one submission).

Conditions:
Fucosidosis. Also called: ALPHA-L-FUCOSIDASE DEFICIENCY. Identifiers: Orphanet 349, MedGen C0016788, MONDO:0009254, OMIM 230000.

Submission:

Labcorp Genetics (formerly Invitae), Labcorp
Classification: Pathogenic for Fucosidosis. Last evaluated: 2021-10-21. Review status: criteria provided, single submitter. Criteria: Invitae Variant Classification Sherloc (09022015). Collection method: clinical testing. Allele origin: germline.
Comment: For these reasons, this variant has been classified as Pathogenic. This variant has not been reported in the literature in individuals affected with FUCA1-related conditions. This variant is a gross deletion of the genomic region encompassing exon(s) 1-2 of the FUCA1 gene, which includes the initiator codon. This deletion extends beyond the assayed region for this gene and therefore may encompass additional genes. It is expected to result in an absent or disrupted protein product. Loss-of-function variants in FUCA1 are known to be pathogenic (PMID: 10094192).

Literature cited by the submitters: PubMed 10094192.

NC_000001.10:g.(?_24191961)_(24194776_?)del

Gene: FUCA1 (alpha-L-fucosidase 1; minus strand). Cytogenetic location: 1p36.11.
Variant type: Deletion.
Identifiers: ClinVar variation 2422464 (VCV002422464.4).